The following is an entry in ClinVar:

NM_018117.12(WDR11):c.76G>A (p.Ala26Thr)

Gene: WDR11 (WD repeat domain 11; plus strand). Cytogenetic location: 10q26.12.
Variant type: single nucleotide variant.
Coding change: c.76G>A on transcript NM_018117.12 (MANE Select); coding-DNA position 76, G replaced by A.
Protein change: p.Ala26Thr; replaces alanine 26 with threonine.
Molecular consequence: missense variant.
Genome position (GRCh38, 1-based): chr10:120,851,496, G>A. VCF-style: chr10-120851496-G-A. GRCh37 (hg19) VCF-style: chr10-122611008-G-A.
Other names: short protein forms A26T.
Identifiers: ClinVar variation 1337335 (VCV001337335.6), dbSNP rs2133715854, ClinGen allele CA378314599.
Genomic context (GRCh38, chr10:120,851,496, plus strand): 5'-GTGAACTTCAAGGTGTCGGCGCGCACCCTCACGGGGGCCCTCAACGCCCACAACAAGGCG[G>A]CGGTGGACTGGTGAGGACGCCGAGCTTCCAGGTCGCCAGGATCGGCCAGGAATGTGTGAG-3'
Protein context (NP_060587.8, residues 16-36): TGALNAHNKA[Ala26Thr]VDWGWQGLIA

ClinVar aggregate classification (germline): Uncertain significance. Review status: criteria provided, multiple submitters, no conflicts (2 of 4 stars). 3 submissions from 3 submitters: Uncertain significance (3). Last evaluated 2025-08-26.

Conditions:
Hypogonadotropic hypogonadism 14 with or without anosmia (HH14). Also called: HYPOGONADOTROPIC HYPOGONADISM 14 WITHOUT ANOSMIA. Identifiers: Orphanet 478, MedGen C3540450, MONDO:0013926, OMIM 614858.
Inborn genetic diseases. Identifiers: MedGen C0950123, MeSH D030342.

Allele frequency attached by ClinVar (database versions not stated): gnomAD exomes below 0.00001.
gnomAD v4.1: 1 of 1,611,328 alleles (0.000062%); highest among the groups gnomAD compares: South Asian, 0.0011%; no homozygotes.

Submissions (3):

Ambry Genetics
Classification: Uncertain significance for Inborn genetic diseases. Last evaluated: 2025-08-26. Review status: criteria provided, single submitter. Criteria: Ambry Variant Classification Scheme 2023. Collection method: clinical testing. Allele origin: germline.

Neuberg Centre For Genomic Medicine, NCGM
Classification: Uncertain significance for Hypogonadotropic hypogonadism 14 with or without anosmia. Last evaluated: 2024-02-01. Review status: criteria provided, single submitter. Criteria: ACMG Guidelines, 2015. Collection method: clinical testing. Allele origin: germline. Inheritance: Autosomal dominant inheritance. Affected: yes.
Comment: The observed missense c.76G>A (p.Ala26Thr) variant in WDR11 gene has not been previously reported as a pathogenic nor as a benign variant, to our knowledge. This variant is absent in the gnomAD Exomes. It has been submitted to the ClinVar database as Uncertain Significance. Multiple lines of computational evidence (Polyphen - Probably damaging, SIFT - Damaging, MutationTaster - Disease causing) predict a damaging effect on protein structure and function for this variant. The reference amino acid at this position on gene is predicted as conserved by GERP++ and PhyloP across 100 vertebrates. The amino acid Ala at position 26 is changed to a Thr changing protein sequence and it might alter its composition and physico-chemical properties. For these reasons, this variant has been classified as Variant of Uncertain Significance (VUS).

Genetic Services Laboratory, University of Chicago
Classification: Uncertain significance. Last evaluated: 2019-08-23. Review status: criteria provided, single submitter. Criteria: ACMG Guidelines, 2015. Collection method: clinical testing. Allele origin: germline. Affected: no.